The following is an entry in ClinVar:

ClinVar aggregate classification (germline): Uncertain significance (1 of 4 stars; one submission).

Conditions:
MME-related disorder. Also called: MME-related condition.

Allele frequency attached by ClinVar (database versions not stated): gnomAD exomes 0.00003; TOPMed below 0.00001; ExAC 0.00001; gnomAD 0.00001.
gnomAD v4.1: 48 of 1,612,732 alleles (0.003%); highest among the groups gnomAD compares: Non-Finnish European, 0.0037%; no homozygotes.

Submission:

PreventionGenetics, part of Exact Sciences
Classification: Uncertain significance for MME-related condition. Last evaluated: 2023-09-26. Review status: criteria provided, single submitter. Criteria: ACMG Guidelines, 2015. Collection method: clinical testing. Allele origin: germline.
Comment: The MME c.1250G>A variant is predicted to result in the amino acid substitution p.Gly417Glu. To our knowledge, this variant has not been reported in the literature. This variant is reported in 0.0016% of alleles in individuals of European (Non-Finnish) descent in gnomAD. At this time, the clinical significance of this variant is uncertain due to the absence of conclusive functional and genetic evidence.

NM_007289.4(MME):c.1250G>A (p.Gly417Glu)

Gene: MME (membrane metalloendopeptidase; plus strand). Cytogenetic location: 3q25.2.
Variant type: single nucleotide variant.
Coding change: c.1250G>A on transcript NM_007289.4 (MANE Select); coding-DNA position 1250, G replaced by A.
Protein change: p.Gly417Glu; replaces glycine 417 with glutamic acid.
Molecular consequence: missense variant.
Genome position (GRCh38, 1-based): chr3:155,143,504, G>A. VCF-style: chr3-155143504-G-A. GRCh37 (hg19) VCF-style: chr3-154861293-G-A.
Other names: c.1250G>A, p.Gly417Glu (NM_000902.5, NM_001354642.2, NM_001354643.1 and 2 more transcripts); short protein forms G417E.
Identifiers: ClinVar variation 2632036 (VCV002632036.1), dbSNP rs199910677, ClinGen allele CA2675436.